The following is an entry in ClinVar:

ClinVar aggregate classification (germline): Uncertain significance (1 of 4 stars; one submission).

Conditions:
Muscular dystrophy-dystroglycanopathy type B6 (MDDGB6). Also called: MUSCULAR DYSTROPHY, CONGENITAL, LARGE-RELATED; MUSCULAR DYSTROPHY, CONGENITAL, TYPE 1D; MUSCULAR DYSTROPHY-DYSTROGLYCANOPATHY (CONGENITAL WITH IMPAIRED INTELLECTUAL DEVELOPMENT), TYPE B, 6. Identifiers: MedGen C1837229, MONDO:0012138, OMIM 608840.

Allele frequency attached by ClinVar (database versions not stated): gnomAD exomes below 0.00001 and 0.00001; TOPMed 0.00001.
gnomAD v4.1: 15 of 1,613,948 alleles (0.00093%); highest among the groups gnomAD compares: East Asian, 0.0022%; no homozygotes.

Submission:

Labcorp Genetics (formerly Invitae), Labcorp
Classification: Uncertain significance for Muscular dystrophy-dystroglycanopathy type B6. Last evaluated: 2026-01-04. Review status: criteria provided, single submitter. Criteria: Invitae Variant Classification Sherloc (09022015). Collection method: clinical testing. Allele origin: germline.
Comment: This sequence change replaces aspartic acid, which is acidic and polar, with asparagine, which is neutral and polar, at codon 441 of the LARGE1 protein (p.Asp441Asn). This variant is present in population databases (no rsID available, gnomAD 0.006%). This variant has not been reported in the literature in individuals affected with LARGE1-related conditions. ClinVar contains an entry for this variant (Variation ID: 844310). Invitae Evidence Modeling of protein sequence and biophysical properties (such as structural, functional, and spatial information, amino acid conservation, physicochemical variation, residue mobility, and thermodynamic stability) indicates that this missense variant is not expected to disrupt LARGE1 protein function with a negative predictive value of 80%. In summary, the available evidence is currently insufficient to determine the role of this variant in disease. Therefore, it has been classified as a Variant of Uncertain Significance.

NM_133642.5(LARGE1):c.1321G>A (p.Asp441Asn)

Gene: LARGE1 (LARGE xylosyl- and glucuronyltransferase 1; minus strand). Cytogenetic location: 22q12.3.
Variant type: single nucleotide variant.
Coding change: c.1321G>A on transcript NM_133642.5 (MANE Select); coding-DNA position 1321, G replaced by A.
Protein change: p.Asp441Asn; replaces aspartic acid 441 with asparagine.
Molecular consequence: missense variant.
Genome position (GRCh38, 1-based): chr22:33,316,215, C>T on the plus strand (G>A on the coding strand, the complement: LARGE1 is on the minus strand). VCF-style: chr22-33316215-C-T. GRCh37 (hg19) VCF-style: chr22-33712201-C-T.
Other names: c.1321G>A, p.Asp441Asn (NM_001362949.2, NM_001362951.2, NM_001362953.2 and 6 more transcripts); c.1165G>A, p.Asp389Asn (NM_001378629.1); c.718G>A, p.Asp240Asn (NM_001378630.1); c.562G>A, p.Asp188Asn (NM_001378631.1); short protein forms D441N, D240N, D188N, D389N.
Identifiers: ClinVar variation 844310 (VCV000844310.6), dbSNP rs915849571, ClinGen allele CA323713133.